The following is an entry in ClinVar:

ClinVar aggregate classification (germline): Pathogenic (1 of 4 stars; one submission).

Submission:

Labcorp Genetics (formerly Invitae), Labcorp
Classification: Pathogenic. Last evaluated: 2023-08-07. Review status: criteria provided, single submitter. Criteria: Invitae Variant Classification Sherloc (09022015). Collection method: clinical testing. Allele origin: unknown.
Comment: For these reasons, this variant has been classified as Pathogenic. This variant disrupts a region of the ABCA4 protein in which other variant(s) (p.Leu244Pro) have been determined to be pathogenic (PMID: 11527935, 18285826, 19074458). This suggests that this is a clinically significant region of the protein, and that variants that disrupt it are likely to be disease-causing. ClinVar contains an entry for this variant (Variation ID: 856501). This variant has been observed in individual(s) with ABCA4-related conditions (PMID: 32619608). This variant results in the deletion of part of exon 6 (c.699_768+341del) of the ABCA4 gene. It is expected to disrupt RNA splicing. Variants that disrupt the donor or acceptor splice site typically lead to a loss of protein function (PMID: 16199547), and loss-of-function variants in ABCA4 are known to be pathogenic (PMID: 10958761, 24938718, 25312043, 26780318).

Literature cited by the submitters: PubMed 11527935; PubMed 18285826; PubMed 19074458; PubMed 32619608; PubMed 16199547; PubMed 10958761; PubMed 24938718; PubMed 25312043; PubMed 26780318.

NC_000001.10:g.(?_94564009)_(94564419_?)del

Gene: ABCA4 (ATP binding cassette subfamily A member 4; minus strand). Cytogenetic location: 1p22.1.
Variant type: Deletion.
Identifiers: ClinVar variation 3247889 (VCV003247889.1).